The following is an entry in ClinVar:

ClinVar aggregate classification (germline): Uncertain significance. Review status: criteria provided, multiple submitters, no conflicts (2 of 4 stars). 2 submissions from 2 submitters: Uncertain significance (2). Last evaluated 2026-01-17.

Conditions:
Inborn genetic diseases. Identifiers: MedGen C0950123, MeSH D030342.

Allele frequency attached by ClinVar (database versions not stated): ESP Exome Variant Server 0.00017; ExAC 0.00018; gnomAD exomes 0.00024.
gnomAD v4.1: 527 of 1,603,544 alleles (0.033%); highest among the groups gnomAD compares: Admixed American, 0.063%; 1 homozygote.

Submissions (2):

Labcorp Genetics (formerly Invitae), Labcorp
Classification: Uncertain significance. Last evaluated: 2026-01-17. Review status: criteria provided, single submitter. Criteria: Invitae Variant Classification Sherloc (09022015). Collection method: clinical testing. Allele origin: germline.
Comment: This sequence change replaces methionine, which is neutral and non-polar, with valine, which is neutral and non-polar, at codon 898 of the MPDZ protein (p.Met898Val). This variant is present in population databases (rs201585415, gnomAD 0.04%). This variant has not been reported in the literature in individuals affected with MPDZ-related conditions. ClinVar contains an entry for this variant (Variation ID: 1346911). An algorithm developed to predict the effect of missense changes on protein structure and function outputs the following: PolyPhen-2: "Benign". The valine amino acid residue is found in multiple mammalian species, which suggests that this missense change does not adversely affect protein function. In summary, the available evidence is currently insufficient to determine the role of this variant in disease. Therefore, it has been classified as a Variant of Uncertain Significance.

Ambry Genetics
Classification: Uncertain significance for Inborn genetic diseases. Last evaluated: 2021-07-13. Review status: criteria provided, single submitter. Criteria: Ambry Variant Classification Scheme 2023. Collection method: clinical testing. Allele origin: germline.

NM_001378778.1(MPDZ):c.2692A>G (p.Met898Val)

Gene: MPDZ (multiple PDZ domain crumbs cell polarity complex component; minus strand). Cytogenetic location: 9p23.
Variant type: single nucleotide variant.
Coding change: c.2692A>G on transcript NM_001378778.1 (MANE Select); coding-DNA position 2692, A replaced by G.
Protein change: p.Met898Val; replaces methionine 898 with valine.
Molecular consequence: missense variant.
Genome position (GRCh38, 1-based): chr9:13,176,375, T>C on the plus strand (A>G on the coding strand, the complement: MPDZ is on the minus strand). VCF-style: chr9-13176375-T-C. GRCh37 (hg19) VCF-style: chr9-13176374-T-C.
Other names: c.2692A>G (NM_003829.3); c.2692A>G, p.Met898Val (NM_001261406.2, NM_001261407.2, NM_001330637.2 and 14 more transcripts); short protein forms M898V.
Identifiers: ClinVar variation 1346911 (VCV001346911.6), dbSNP rs201585415, ClinGen allele CA4987381.